The following is an entry in ClinVar:

ClinVar aggregate classification (germline): Likely benign (1 of 4 stars; one submission).

Submission:

CeGaT Center for Human Genetics Tuebingen
Classification: Likely benign. Last evaluated: 2025-08-01. Review status: criteria provided, single submitter. Criteria: CeGaT Center For Human Genetics Tuebingen Variant Classification Criteria Version 2. Collection method: clinical testing. Allele origin: germline. Affected: yes. Observed: 1 variant allele.
Comment: PTCH1: PM2:Supporting, BP4, BP7

NM_000264.5(PTCH1):c.2184G>C (p.Thr728=)

Genes: PTCH1 (patched 1; minus strand), LOC100507346 (uncharacterized LOC100507346; plus strand). Cytogenetic location: 9q22.32.
Variant type: single nucleotide variant.
Coding change: c.2184G>C on transcript NM_000264.5 (MANE Select); coding-DNA position 2184, G replaced by C.
Protein change: p.Thr728=; no amino-acid change (threonine 728 retained).
Molecular consequence: synonymous variant. On other transcripts: non-coding transcript variant (2).
Genome position (GRCh38, 1-based): chr9:95,468,817, C>G on the plus strand (G>C on the coding strand, the complement: PTCH1 is on the minus strand). VCF-style: chr9-95468817-C-G. GRCh37 (hg19) VCF-style: chr9-98231099-C-G.
Other names: c.1986G>C, p.Thr662= (NM_001083602.3); c.2181G>C, p.Thr727= (NM_001083603.3); c.1731G>C, p.Thr577= (NM_001083604.3, NM_001083605.3, NM_001083606.3 and 1 more transcripts); c.2028G>C, p.Thr676= (NM_001354918.2).
Identifiers: ClinVar variation 4085724 (VCV004085724.8).